The following is an entry in ClinVar:

NM_000258.3(MYL3):c.193C>T (p.Pro65Ser)

Gene: MYL3 (myosin light chain 3; minus strand). Cytogenetic location: 3p21.31.
Variant type: single nucleotide variant.
Coding change: c.193C>T on transcript NM_000258.3 (MANE Select); coding-DNA position 193, C replaced by T.
Protein change: p.Pro65Ser; replaces proline 65 with serine.
Molecular consequence: missense variant.
Genome position (GRCh38, 1-based): chr3:46,860,790, G>A on the plus strand (C>T on the coding strand, the complement: MYL3 is on the minus strand). VCF-style: chr3-46860790-G-A. GRCh37 (hg19) VCF-style: chr3-46902280-G-A.
Other names: p.P65S:CCC>TCC; short protein forms P65S.
Identifiers: ClinVar variation 181447 (VCV000181447.32), dbSNP rs730880960, ClinGen allele CA013638.

ClinVar aggregate classification (germline): Conflicting classifications of pathogenicity. Review status: criteria provided, conflicting classifications (1 of 4 stars). 6 submissions from 6 submitters: Likely pathogenic (1); Uncertain significance (5). Last evaluated 2026-01-06.

Conditions:
Cardiovascular phenotype. Identifiers: MedGen CN230736.
Cardiomyopathy (CMYO). Also called: Cardiomyopathies. Identifiers: Orphanet 167848, MedGen C0878544, MONDO:0004994, HP:0001638. Inheritance: Various modes of inheritance.
Hypertrophic cardiomyopathy. Also called: HYPERTROPHIC MYOCARDIOPATHY. Identifiers: Orphanet 217569, MedGen C0007194, MeSH D002312, MONDO:0005045, HP:0001639.

Allele frequency attached by ClinVar (database versions not stated): gnomAD 0.00001; TOPMed 0.00001.
gnomAD v4.1: 2 of 1,614,000 alleles (0.00012%); highest among the groups gnomAD compares: Non-Finnish European, 0.00017%; no homozygotes.

Submissions (6):

Labcorp Genetics (formerly Invitae), Labcorp
Classification: Uncertain significance for Hypertrophic cardiomyopathy. Last evaluated: 2026-01-06. Review status: criteria provided, single submitter. Criteria: Invitae Variant Classification Sherloc (09022015). Collection method: clinical testing. Allele origin: germline.
Comment: This sequence change replaces proline, which is neutral and non-polar, with serine, which is neutral and polar, at codon 65 of the MYL3 protein (p.Pro65Ser). This variant is not present in population databases (gnomAD no frequency). This variant has not been reported in the literature in individuals affected with MYL3-related conditions. ClinVar contains an entry for this variant (Variation ID: 181447). An algorithm developed to predict the effect of missense changes on protein structure and function (PolyPhen-2) suggests that this variant is likely to be tolerated. In summary, the available evidence is currently insufficient to determine the role of this variant in disease. Therefore, it has been classified as a Variant of Uncertain Significance.

Color Diagnostics, LLC DBA Color Health
Classification: Uncertain significance for Cardiomyopathy. Last evaluated: 2025-08-22. Review status: criteria provided, single submitter. Criteria: ACMG Guidelines, 2015. Collection method: clinical testing. Allele origin: germline.
Comment: This missense variant replaces proline with serine at codon 65 of the MYL3 protein. Computational prediction is inconclusive regarding the impact of this variant on protein structure and function. To our knowledge, functional studies have not been reported for this variant. This variant has not been reported in individuals affected with MYL3-related disorders in the literature. This variant has not been identified in the general population by the Genome Aggregation Database (gnomAD). The available evidence is insufficient to determine the role of this variant in disease conclusively. Therefore, this variant is classified as a Variant of Uncertain Significance.

Ambry Genetics
Classification: Uncertain significance for Cardiovascular phenotype. Last evaluated: 2024-05-02. Review status: criteria provided, single submitter. Criteria: Ambry Variant Classification Scheme 2023. Collection method: clinical testing. Allele origin: germline.
Comment: The p.P65S variant (also known as c.193C>T), located in coding exon 3 of the MYL3 gene, results from a C to T substitution at nucleotide position 193. The proline at codon 65 is replaced by serine, an amino acid with similar properties. This amino acid position is highly conserved in available vertebrate species. In addition, the in silico prediction for this alteration is inconclusive. Based on the available evidence, the clinical significance of this variant remains unclear.

All of Us Research Program, National Institutes of Health
Classification: Uncertain significance for Hypertrophic cardiomyopathy. Last evaluated: 2024-03-05. Review status: criteria provided, single submitter. Criteria: ACMG Guidelines, 2015. Collection method: clinical testing. Allele origin: germline. Inheritance: Autosomal dominant inheritance. Observed: 1 variant allele, 1 heterozygote.
Comment: This missense variant replaces proline with serine at codon 65 of the MYL3 protein. Computational prediction is inconclusive regarding the impact of this variant on protein structure and function (internally defined REVEL score threshold 0.5 < inconclusive < 0.7, PMID: 27666373). To our knowledge, functional studies have not been reported for this variant. This variant has not been reported in individuals affected with cardiovascular disorders in the literature. This variant has not been identified in the general population by the Genome Aggregation Database (gnomAD). The available evidence is insufficient to determine the role of this variant in disease conclusively. Therefore, this variant is classified as a Variant of Uncertain Significance.

This study involves interpretation of variants in research participants for the purpose of population health screening. Participant phenotype was not available at the time of variant classification. Additional details can be found in publication PMID: 35346344, PMCID: PMC8962531

CeGaT Center for Human Genetics Tuebingen
Classification: Uncertain significance. Last evaluated: 2023-01-01. Review status: criteria provided, single submitter. Criteria: CeGaT Center For Human Genetics Tuebingen Variant Classification Criteria Version 2. Collection method: clinical testing. Allele origin: germline. Affected: yes. Observed: 1 variant allele.
Comment: MYL3: PM2

GeneDx
Classification: Likely pathogenic. Last evaluated: 2011-09-23. Review status: criteria provided, single submitter. Criteria: GeneDx Variant Classification (06012015). Collection method: clinical testing. Allele origin: germline. Affected: yes.
Comment: The Pro65Ser variant has not been reported as a disease causing mutation or as a benign polymorphism to our knowledge. Pro65Ser results in a non conservative amino acid substitution of non polar Proline with a polar Serine at a position that is highly conserved throughout evolution. Mutations in MYL3 are rare in HCM, and have been reported in only about 1% of patients with an autosomal dominant familial form of the disease (Cirino A et al., 2011). In silico analysis predicts Pro65Se is damaging to the protein structure/function. Furthermore, mutations in nearby codons (Glu56Gly, Ala57Gly) have been reported in association with HCM, further supporting the functional importance of this region of the protein. With the clinical and molecular information available at this time, we cannot unequivocally determine the clinical significance of the Pro65Ser variant, although evidence suggests it may be disease causing. The variant is found in HCM panel(s).